The following is an entry in ClinVar:

ClinVar aggregate classification (germline): Uncertain significance. Review status: criteria provided, multiple submitters, no conflicts (2 of 4 stars). 3 submissions from 3 submitters: Uncertain significance (3). Last evaluated 2024-05-01.

Conditions:
Inborn genetic diseases. Identifiers: MedGen C0950123, MeSH D030342.

Allele frequency attached by ClinVar (database versions not stated): gnomAD 0.00005; gnomAD exomes 0.00009.
gnomAD v4.1: 24 of 1,268,710 alleles (0.0019%); highest among the groups gnomAD compares: Admixed American, 0.047%; no homozygotes.

Submissions (3):

GeneDx
Classification: Uncertain significance. Last evaluated: 2024-05-01. Review status: criteria provided, single submitter. Criteria: GeneDx Variant Classification Process June 2021. Collection method: clinical testing. Allele origin: germline. Affected: yes.
Comment: In silico analysis indicates that this missense variant does not alter protein structure/function; Has not been previously published as pathogenic or benign to our knowledge

Ambry Genetics
Classification: Uncertain significance for Inborn genetic diseases. Last evaluated: 2022-06-21. Review status: criteria provided, single submitter. Criteria: Ambry Variant Classification Scheme 2023. Collection method: clinical testing. Allele origin: germline.

Labcorp Genetics (formerly Invitae), Labcorp
Classification: Uncertain significance. Last evaluated: 2021-09-17. Review status: criteria provided, single submitter. Criteria: Invitae Variant Classification Sherloc (09022015). Collection method: clinical testing. Allele origin: germline.
Comment: This sequence change replaces glutamine with glutamic acid at codon 2982 of the MYO15A protein (p.Gln2982Glu). The glutamine residue is moderately conserved and there is a small physicochemical difference between glutamine and glutamic acid. The frequency data for this variant in the population databases is considered unreliable, as metrics indicate poor data quality at this position in the ExAC database. This variant has not been reported in the literature in individuals affected with MYO15A-related conditions. Advanced modeling of protein sequence and biophysical properties (such as structural, functional, and spatial information, amino acid conservation, physicochemical variation, residue mobility, and thermodynamic stability) performed at Invitae indicates that this missense variant is not expected to disrupt MYO15A protein function. In summary, the available evidence is currently insufficient to determine the role of this variant in disease. Therefore, it has been classified as a Variant of Uncertain Significance.

NM_016239.4(MYO15A):c.8944C>G (p.Gln2982Glu)

Gene: MYO15A (myosin XVA; plus strand). Cytogenetic location: 17p11.2.
Variant type: single nucleotide variant.
Coding change: c.8944C>G on transcript NM_016239.4 (MANE Select); coding-DNA position 8944, C replaced by G.
Protein change: p.Gln2982Glu; replaces glutamine 2982 with glutamic acid.
Molecular consequence: missense variant.
Genome position (GRCh38, 1-based): chr17:18,157,877, C>G. VCF-style: chr17-18157877-C-G. GRCh37 (hg19) VCF-style: chr17-18061191-C-G.
Other names: short protein forms Q2982E.
Identifiers: ClinVar variation 1300590 (VCV001300590.9), dbSNP rs774312110, ClinGen allele CA8425316.
Genomic context (GRCh38, chr17:18,157,877, plus strand): 5'-GAGCCAGGCCGCGGCCGAGCAGCCGCCGTGGCCGCTGCTGTGGCCTCTGCAGCCGCTGCA[C>G]AGGAGGTGGGCCGCAGGAGAGAGGTGAGACCAGTGTGGGTGGGGTGGGGCGGGGTAGACC-3'
Protein context (NP_057323.3, residues 2972-2992): AAAVASAAAA[Gln2982Glu]EVGRRREGPP